The following is an entry in ClinVar:

ClinVar aggregate classification (germline): Uncertain significance (1 of 4 stars; one submission).

Allele frequency attached by ClinVar (database versions not stated): gnomAD exomes below 0.00001; TOPMed 0.00001.
gnomAD v4.1: 1 of 1,551,788 alleles (0.000064%); highest among the groups gnomAD compares: Non-Finnish European, 0.000087%; no homozygotes.

Submission:

Labcorp Genetics (formerly Invitae), Labcorp
Classification: Uncertain significance. Last evaluated: 2022-07-12. Review status: criteria provided, single submitter. Criteria: Invitae Variant Classification Sherloc (09022015). Collection method: clinical testing. Allele origin: germline.
Comment: In summary, the available evidence is currently insufficient to determine the role of this variant in disease. Therefore, it has been classified as a Variant of Uncertain Significance. Advanced modeling of protein sequence and biophysical properties (such as structural, functional, and spatial information, amino acid conservation, physicochemical variation, residue mobility, and thermodynamic stability) performed at Invitae indicates that this missense variant is not expected to disrupt CPLANE1 protein function. ClinVar contains an entry for this variant (Variation ID: 1475472). This variant has not been reported in the literature in individuals affected with CPLANE1-related conditions. This variant is not present in population databases (gnomAD no frequency). This sequence change replaces lysine, which is basic and polar, with glutamic acid, which is acidic and polar, at codon 1024 of the CPLANE1 protein (p.Lys1024Glu).

NM_001384732.1(CPLANE1):c.3070A>G (p.Lys1024Glu)

Gene: CPLANE1 (ciliogenesis and planar polarity effector complex subunit 1; minus strand). Cytogenetic location: 5p13.2.
Variant type: single nucleotide variant.
Coding change: c.3070A>G on transcript NM_001384732.1 (MANE Select); coding-DNA position 3070, A replaced by G.
Protein change: p.Lys1024Glu; replaces lysine 1024 with glutamic acid.
Molecular consequence: missense variant.
Genome position (GRCh38, 1-based): chr5:37,206,276, T>C on the plus strand (A>G on the coding strand, the complement: CPLANE1 is on the minus strand). VCF-style: chr5-37206276-T-C. GRCh37 (hg19) VCF-style: chr5-37206378-T-C.
Other names: c.3070A>G, p.Lys1024Glu (NM_023073.4); short protein forms K1024E.
Identifiers: ClinVar variation 1475472 (VCV001475472.7), dbSNP rs962053628, ClinGen allele CA117082580.